The following is an entry in ClinVar:

NM_020631.6(PLEKHG5):c.2652G>T (p.Gln884His)

Gene: PLEKHG5 (pleckstrin homology and RhoGEF domain containing G5; minus strand). Cytogenetic location: 1p36.31.
Variant type: single nucleotide variant.
Coding change: c.2652G>T on transcript NM_020631.6 (MANE Select); coding-DNA position 2652, G replaced by T.
Protein change: p.Gln884His; replaces glutamine 884 with histidine.
Molecular consequence: missense variant.
Genome position (GRCh38, 1-based): chr1:6,468,184, C>A on the plus strand (G>T on the coding strand, the complement: PLEKHG5 is on the minus strand). VCF-style: chr1-6468184-C-A. GRCh37 (hg19) VCF-style: chr1-6528244-C-A.
Other names: c.2763G>T, p.Gln921His (NM_001042663.3, NM_001265592.2); c.2652G>T, p.Gln884His (NM_001042664.2, NM_001042665.2, NM_001265594.3 and 1 more transcripts); c.2859G>T, p.Gln953His (NM_001265593.2); short protein forms Q921H, Q884H, Q953H.
Identifiers: ClinVar variation 1950197 (VCV001950197.5), dbSNP rs1313098981, ClinGen allele CA338115484.

ClinVar aggregate classification (germline): Uncertain significance (1 of 4 stars; one submission).

Conditions:
Neuronopathy, distal hereditary motor, autosomal recessive 4. Also called: NEUROPATHY, DISTAL HEREDITARY MOTOR, AUTOSOMAL RECESSIVE 4; Autosomal recessive lower motor neuron disease with childhood onset. Identifiers: Orphanet 206580, MedGen C1970211, MONDO:0012608, OMIM 611067.
Charcot-Marie-Tooth disease recessive intermediate C. Also called: CHARCOT-MARIE-TOOTH NEUROPATHY, RECESSIVE INTERMEDIATE C. Identifiers: Orphanet 369867, MedGen C3809309, MONDO:0014154, OMIM 615376.

Allele frequency attached by ClinVar (database versions not stated): gnomAD 0.00001; TOPMed 0.00001.
gnomAD v4.1: 1 of 1,569,590 alleles (0.000064%); highest among the groups gnomAD compares: Non-Finnish European, 0.000087%; no homozygotes.

Submission:

Labcorp Genetics (formerly Invitae), Labcorp
Classification: Uncertain significance for Neuronopathy, distal hereditary motor, autosomal recessive 4; Charcot-Marie-Tooth disease recessive intermediate C. Last evaluated: 2022-04-15. Review status: criteria provided, single submitter. Criteria: Invitae Variant Classification Sherloc (09022015). Collection method: clinical testing. Allele origin: germline.
Comment: This sequence change replaces glutamine, which is neutral and polar, with histidine, which is basic and polar, at codon 884 of the PLEKHG5 protein (p.Gln884His). This variant is not present in population databases (gnomAD no frequency). This variant has not been reported in the literature in individuals affected with PLEKHG5-related conditions. Algorithms developed to predict the effect of missense changes on protein structure and function (SIFT, PolyPhen-2, Align-GVGD) all suggest that this variant is likely to be tolerated. In summary, the available evidence is currently insufficient to determine the role of this variant in disease. Therefore, it has been classified as a Variant of Uncertain Significance.